The following is an entry in ClinVar:

NM_000038.6(APC):c.3387G>A (p.Leu1129=)

Gene: APC (APC regulator of Wnt signaling pathway; plus strand). Cytogenetic location: 5q22.2.
Variant type: single nucleotide variant.
Coding change: c.3387G>A on transcript NM_000038.6 (MANE Select); coding-DNA position 3387, G replaced by A.
Protein change: p.Leu1129=; no amino-acid change (leucine 1129 retained).
Molecular consequence: synonymous variant. On other transcripts: non-coding transcript variant (2).
Genome position (GRCh38, 1-based): chr5:112,838,981, G>A. VCF-style: chr5-112838981-G-A. GRCh37 (hg19) VCF-style: chr5-112174678-G-A.
Other names: c.3387G>A, p.Leu1129= (NM_001127510.3, NM_001354895.2, NM_001407450.1); c.3333G>A, p.Leu1111= (NM_001127511.3); c.3441G>A, p.Leu1147= (NM_001354896.2, NM_001407447.1, NM_001407448.1 and 1 more transcripts); c.3417G>A, p.Leu1139= (NM_001354897.2); c.3312G>A, p.Leu1104= (NM_001354898.2); c.3303G>A, p.Leu1101= (NM_001354899.2); c.3264G>A, p.Leu1088= (NM_001354900.2); c.3210G>A, p.Leu1070= (NM_001354901.2, NM_001407453.1); and 11 more.
Identifiers: ClinVar variation 3148104 (VCV003148104.2), dbSNP rs730881225, ClinGen allele CA445963778.

ClinVar aggregate classification (germline): Benign/Likely benign. Review status: criteria provided, multiple submitters, no conflicts (2 of 4 stars). 2 submissions from 2 submitters: Benign (1); Likely benign (1). Last evaluated 2024-03-28.

Conditions:
Familial adenomatous polyposis 1 (FAP1). Also called: POLYPOSIS, ADENOMATOUS INTESTINAL; FAMILIAL ADENOMATOUS POLYPOSIS 1, ATTENUATED. Identifiers: MedGen C2713442, MONDO:0021056, OMIM 175100. Disease mechanism: loss of function.

gnomAD v4.1: 1 of 1,614,052 alleles (0.000062%); highest among the groups gnomAD compares: East Asian, 0.0022%; no homozygotes.

Submissions (2):

Myriad Genetics, Inc.
Classification: Benign for Familial adenomatous polyposis 1. Last evaluated: 2024-03-28. Review status: criteria provided, single submitter. Criteria: Myriad Autosomal Dominant, Autosomal Recessive and X-Linked Classification Criteria (2023). Collection method: clinical testing. Allele origin: unknown.
Comment: This variant is considered benign. This variant is a silent/synonymous amino acid change and it is not expected to impact splicing.

ARUP Laboratories, Molecular Genetics and Genomics, ARUP Laboratories
Classification: Likely benign. Last evaluated: 2023-12-08. Review status: criteria provided, single submitter. Criteria: ARUP Molecular Germline Variant Investigation Process 2024. Collection method: clinical testing. Allele origin: germline.